The following is an entry in ClinVar:

NM_005334.3(HCFC1):c.3314C>T (p.Ser1105Leu)

Gene: HCFC1 (host cell factor C1; minus strand). Cytogenetic location: Xq28.
Variant type: single nucleotide variant.
Coding change: c.3314C>T on transcript NM_005334.3 (MANE Select); coding-DNA position 3314, C replaced by T.
Protein change: p.Ser1105Leu; replaces serine 1105 with leucine.
Molecular consequence: missense variant.
Genome position (GRCh38, 1-based): chrX:153,955,085, G>A on the plus strand (C>T on the coding strand, the complement: HCFC1 is on the minus strand). VCF-style: chrX-153955085-G-A. GRCh37 (hg19) VCF-style: chrX-153220536-G-A.
Other names: short protein forms S1105L.
Identifiers: ClinVar variation 1418827 (VCV001418827.8), dbSNP rs2065360852, ClinGen allele CA415124855.

ClinVar aggregate classification (germline): Uncertain significance (1 of 4 stars; one submission).

Conditions:
Methylmalonic acidemia with homocystinuria, type cblX (MAHCX). Also called: INTELLECTUAL DEVELOPMENTAL DISORDER, X-LINKED 3. Identifiers: Orphanet 369962, MedGen C0796208, MONDO:0010657, OMIM 309541.

Allele frequency attached by ClinVar (database versions not stated): TOPMed below 0.00001.

Submission:

Labcorp Genetics (formerly Invitae), Labcorp
Classification: Uncertain significance for Methylmalonic acidemia with homocystinuria, type cblX. Last evaluated: 2021-12-02. Review status: criteria provided, single submitter. Criteria: Invitae Variant Classification Sherloc (09022015). Collection method: clinical testing. Allele origin: germline.
Comment: In summary, the available evidence is currently insufficient to determine the role of this variant in disease. Therefore, it has been classified as a Variant of Uncertain Significance. Algorithms developed to predict the effect of missense changes on protein structure and function are either unavailable or do not agree on the potential impact of this missense change (SIFT: "Deleterious"; PolyPhen-2: "Benign"; Align-GVGD: "Class C0"). This variant has not been reported in the literature in individuals affected with HCFC1-related conditions. This variant is not present in population databases (gnomAD no frequency). This sequence change replaces serine, which is neutral and polar, with leucine, which is neutral and non-polar, at codon 1105 of the HCFC1 protein (p.Ser1105Leu).